The following is an entry in ClinVar:

ClinVar aggregate classification (germline): Uncertain significance. Review status: criteria provided, multiple submitters, no conflicts (2 of 4 stars). 2 submissions from 2 submitters: Uncertain significance (2). Last evaluated 2025-11-08.

Conditions:
Inborn genetic diseases. Identifiers: MedGen C0950123, MeSH D030342.

Submissions (2):

Ambry Genetics
Classification: Uncertain significance for Inborn genetic diseases. Last evaluated: 2025-11-08. Review status: criteria provided, single submitter. Criteria: Ambry Variant Classification Scheme 2023. Collection method: clinical testing. Allele origin: germline.

GeneDx
Classification: Uncertain significance. Last evaluated: 2023-12-07. Review status: criteria provided, single submitter. Criteria: GeneDx Variant Classification Process June 2021. Collection method: clinical testing. Allele origin: germline. Affected: yes.
Comment: Not observed at significant frequency in large population cohorts (gnomAD); In silico analysis supports that this missense variant does not alter protein structure/function; Has not been previously published as pathogenic or benign to our knowledge

NM_172362.3(KCNH1):c.532G>T (p.Val178Phe)

Gene: KCNH1 (potassium voltage-gated channel subfamily H member 1; minus strand). Cytogenetic location: 1q32.2.
Variant type: single nucleotide variant.
Coding change: c.532G>T on transcript NM_172362.3 (MANE Select); coding-DNA position 532, G replaced by T.
Protein change: p.Val178Phe; replaces valine 178 with phenylalanine.
Molecular consequence: missense variant.
Genome position (GRCh38, 1-based): chr1:211,082,806, C>A on the plus strand (G>T on the coding strand, the complement: KCNH1 is on the minus strand). VCF-style: chr1-211082806-C-A. GRCh37 (hg19) VCF-style: chr1-211256148-C-A.
Other names: c.532G>T, p.Val178Phe (NM_002238.4); short protein forms V178F.
Identifiers: ClinVar variation 3365159 (VCV003365159.2).